The following is an entry in ClinVar:

ClinVar aggregate classification (germline): Uncertain significance (1 of 4 stars; one submission).

Conditions:
Hereditary spastic paraplegia 15 (SPG15). Also called: SPASTIC PARAPLEGIA AND RETINAL DEGENERATION; SPASTIC PARAPLEGIA 15, AUTOSOMAL RECESSIVE; KJELLIN SYNDROME. Identifiers: Orphanet 100996, MedGen C1849128, MONDO:0010044, OMIM 270700.

Submission:

Myriad Genetics, Inc.
Classification: Uncertain significance for Hereditary spastic paraplegia 15. Last evaluated: 2025-09-10. Review status: criteria provided, single submitter. Criteria: Myriad Autosomal Dominant, Autosomal Recessive and X-Linked Classification Criteria (2023). Collection method: clinical testing. Allele origin: unknown.
Comment: NM_015346.3(ZFYVE26):c.5480_5482delCCA(T1827del) is an in-frame deletion classified as a variant of uncertain significance in the context of spastic paraplegia type 15. T1827del has not been observed in cases with relevant disease. Relevant functional assessments of this variant are not available in the literature. T1827del has not been observed in referenced population frequency databases. In summary, there is insufficient evidence to classify NM_015346.3(ZFYVE26):c.5480_5482delCCA(T1827del) as pathogenic or benign. Please note: this variant was assessed in the context of healthy population screening.

NM_015346.4(ZFYVE26):c.5480_5482del (p.Thr1827del)

Gene: ZFYVE26 (zinc finger FYVE-type containing 26; minus strand). Cytogenetic location: 14q24.1.
Variant type: Deletion.
Coding change: c.5480_5482del on transcript NM_015346.4 (MANE Select); coding-DNA positions 5480 to 5482, 3 bases deleted (CCA; older notation c.5480_5482delCCA).
Protein change: p.Thr1827del; deletes threonine 1827.
Molecular consequence: inframe deletion.
Genome position (GRCh38, 1-based): chr14:67,772,049-67,772,051, TGG deleted on the plus strand (CCA on the coding strand, the reverse complement: ZFYVE26 is on the minus strand); deleting any 3 consecutive bases within chr14:67,772,049-67,772,053 gives the same sequence; the c. name uses the placement nearest the transcript's 3' end. VCF-style (leftmost placement, unchanged base first): chr14-67772048-ATGG-A. GRCh37 (hg19) VCF-style: chr14-68238765-ATGG-A.
Other names: short protein forms T1827del.
Identifiers: ClinVar variation 5004159 (VCV005004159.1).